The following is an entry in ClinVar:

ClinVar aggregate classification (germline): Uncertain significance (1 of 4 stars; one submission).

Submission:

GeneDx
Classification: Uncertain significance. Last evaluated: 2022-07-07. Review status: criteria provided, single submitter. Criteria: GeneDx Variant Classification Process June 2021. Collection method: clinical testing. Allele origin: germline. Affected: yes.
Comment: Not observed at significant frequency in large population cohorts (gnomAD); In silico analysis supports that this missense variant has a deleterious effect on protein structure/function; Has not been previously published as pathogenic or benign to our knowledge

NM_016284.5(CNOT1):c.3575T>C (p.Leu1192Pro)

Gene: CNOT1 (CCR4-NOT transcription complex subunit 1; minus strand). Cytogenetic location: 16q21.
Variant type: single nucleotide variant.
Coding change: c.3575T>C on transcript NM_016284.5 (MANE Select); coding-DNA position 3575, T replaced by C.
Protein change: p.Leu1192Pro; replaces leucine 1192 with proline.
Molecular consequence: missense variant. On other transcripts: non-coding transcript variant (1).
Genome position (GRCh38, 1-based): chr16:58,547,630, A>G on the plus strand (T>C on the coding strand, the complement: CNOT1 is on the minus strand). VCF-style: chr16-58547630-A-G. GRCh37 (hg19) VCF-style: chr16-58581534-A-G.
Other names: c.3560T>C, p.Leu1187Pro (NM_001265612.2); c.3575T>C, p.Leu1192Pro (NM_206999.3); short protein forms L1187P, L1192P.
Identifiers: ClinVar variation 1810453 (VCV001810453.1), dbSNP rs2543918690, ClinGen allele CA396171743.